The following is an entry in ClinVar:

ClinVar aggregate classification (germline): Benign. Review status: criteria provided, multiple submitters, no conflicts (2 of 4 stars). 6 submissions from 6 submitters: Benign (6). Last evaluated 2026-02-04.

Conditions:
Combined immunodeficiency due to DOCK8 deficiency (HIES2). Also called: HIES autosomal recessive; Hyper-IgE recurrent infection syndrome, autosomal recessive; HYPER-IgE RECURRENT INFECTION SYNDROME 2, AUTOSOMAL RECESSIVE; HYPER-IgE SYNDROME 2, AUTOSOMAL RECESSIVE, WITH RECURRENT INFECTIONS; DOCK8 Deficiency. Identifiers: Orphanet 217390, MedGen C4722305, MONDO:0009478, OMIM 243700.

Allele frequency attached by ClinVar (database versions not stated): gnomAD 0.00841; 1000 Genomes Project 0.00958; ESP Exome Variant Server 0.01007; 1000 Genomes Project 30x 0.01031; TOPMed 0.01033.
gnomAD v4.1: 3,011 of 1,613,968 alleles (0.19%); highest among the groups gnomAD compares: African/African-American, 3.1%; 44 homozygotes.

Submissions (6):

Labcorp Genetics (formerly Invitae), Labcorp
Classification: Benign for Combined immunodeficiency due to DOCK8 deficiency. Last evaluated: 2026-02-04. Review status: criteria provided, single submitter. Criteria: Invitae Variant Classification Sherloc (09022015). Collection method: clinical testing. Allele origin: germline.

Women's Health and Genetics/Laboratory Corporation of America, LabCorp
Classification: Benign. Last evaluated: 2026-01-23. Review status: criteria provided, single submitter. Criteria: LabCorp Variant Classification Summary - May 2015. Collection method: clinical testing. Allele origin: germline.

Illumina Laboratory Services, Illumina
Classification: Benign for Combined immunodeficiency due to DOCK8 deficiency. Last evaluated: 2018-01-13. Review status: criteria provided, single submitter. Criteria: ICSL Variant Classification Criteria 13 December 2019. Collection method: clinical testing. Allele origin: germline.
Comment: This variant was observed in the ICSL laboratory as part of a predisposition screen in an ostensibly healthy population. It had not been previously curated by ICSL or reported in the Human Gene Mutation Database (HGMD: prior to June 1st, 2018), and was therefore a candidate for classification through an automated scoring system. Utilizing variant allele frequency, disease prevalence and penetrance estimates, and inheritance mode, an automated score was calculated to assess if this variant is too frequent to cause the disease. Based on the score and internal cut-off values, a variant classified as benign is not then subjected to further curation. The score for this variant resulted in a classification of benign for this disease.

GeneDx
Classification: Benign. Last evaluated: 2015-03-03. Review status: criteria provided, single submitter. Criteria: GeneDx Variant Classification Process June 2021. Collection method: clinical testing. Allele origin: germline. Affected: yes.

Laboratory for Molecular Medicine, Mass General Brigham Personalized Medicine
Classification: Benign. Last evaluated: 2013-02-21. Review status: criteria provided, single submitter. Criteria: LMM Criteria. Collection method: clinical testing. Allele origin: germline. Observed: 1 variant allele.
Comment: 2971-14A>G in intron 24 of DOCK8: This variant is not expected to have clinical significance because it has been identified in 2.9% (128/4406) of African Americ an chromosomes from a broad population by the NHLBI Exome Sequencing Project (dbSNP rs140114637).

Breakthrough Genomics
Classification: Benign. Review status: criteria provided, single submitter. Criteria: ACMG Guidelines, 2015. Collection method: not provided. Allele origin: germline. Inheritance: Autosomal recessive inheritance. Affected: yes.

NM_203447.4(DOCK8):c.2971-14A>G

Gene: DOCK8 (dedicator of cytokinesis 8; plus strand). Cytogenetic location: 9p24.3.
Variant type: single nucleotide variant.
Coding change: c.2971-14A>G on transcript NM_203447.4 (MANE Select); 14 bases into the intron before coding-DNA position 2971, A replaced by G.
Molecular consequence: intron variant.
Genome position (GRCh38, 1-based): chr9:396,771, A>G. VCF-style: chr9-396771-A-G. GRCh37 (hg19) VCF-style: chr9-396771-A-G.
Other names: c.2767-14A>G (NM_001193536.2); c.2671-14A>G (NM_001190458.2).
Identifiers: ClinVar variation 366964 (VCV000366964.20), dbSNP rs140114637, ClinGen allele CA4958447.